The following is an entry in ClinVar:

NC_000006.11:g.(?_24291140)_(24291326_?)dup

Gene: DCDC2 (doublecortin domain containing 2; minus strand). Cytogenetic location: 6p22.3.
Variant type: Duplication.
Identifiers: ClinVar variation 3246010 (VCV003246010.1).

ClinVar aggregate classification (germline): Uncertain significance (1 of 4 stars; one submission).

Conditions:
Isolated neonatal sclerosing cholangitis (NSC). Also called: Sclerosing cholangitis, neonatal. Identifiers: Orphanet 480556, MedGen C4479344, MONDO:0018816, OMIM 617394.
Autosomal recessive nonsyndromic hearing loss 66 (DFNB66). Also called: Deafness, autosomal recessive 66. Identifiers: Orphanet 90636, MedGen C1857750, MONDO:0012442, OMIM 610212.

Submission:

Labcorp Genetics (formerly Invitae), Labcorp
Classification: Uncertain significance for Autosomal recessive nonsyndromic hearing loss 66; Isolated neonatal sclerosing cholangitis. Last evaluated: 2023-06-17. Review status: criteria provided, single submitter. Criteria: Invitae Variant Classification Sherloc (09022015). Collection method: clinical testing. Allele origin: unknown.
Comment: This variant results in a copy number gain of the genomic region encompassing exon(s) 5 of the DCDC2 gene. While the exact position of this variant cannot be determined from the data, sub-genic copy number gains are generally in tandem (PMID: 25640679). This variant is predicted to be in-frame, and likely preserves the integrity of the reading frame. In summary, the available evidence is currently insufficient to determine the role of this variant in disease. Therefore, it has been classified as a Variant of Uncertain Significance. Experimental studies and prediction algorithms are not available or were not evaluated, and the functional significance of this variant is currently unknown. This variant has not been reported in the literature in individuals affected with DCDC2-related conditions.

Literature cited by the submitters: PubMed 25640679.